The following is an entry in ClinVar:

NM_015466.4(PTPN23):c.3844G>C (p.Val1282Leu)

Gene: PTPN23 (protein tyrosine phosphatase non-receptor type 23; plus strand). Cytogenetic location: 3p21.31.
Variant type: single nucleotide variant.
Coding change: c.3844G>C on transcript NM_015466.4 (MANE Select); coding-DNA position 3844, G replaced by C.
Protein change: p.Val1282Leu; replaces valine 1282 with leucine.
Molecular consequence: missense variant.
Genome position (GRCh38, 1-based): chr3:47,411,642, G>C. VCF-style: chr3-47411642-G-C. GRCh37 (hg19) VCF-style: chr3-47453132-G-C.
Other names: c.3466G>C, p.Val1156Leu (NM_001304482.2); short protein forms V1156L, V1282L.
Identifiers: ClinVar variation 1915168 (VCV001915168.3), dbSNP rs746216873, ClinGen allele CA2366364.

ClinVar aggregate classification (germline): Uncertain significance (1 of 4 stars; one submission).

Allele frequency attached by ClinVar (database versions not stated): TOPMed below 0.00001; ExAC 0.00001; gnomAD exomes 0.00001.
gnomAD v4.1: 6 of 1,609,782 alleles (0.00037%); highest among the groups gnomAD compares: Admixed American, 0.01%; no homozygotes.

Submission:

Labcorp Genetics (formerly Invitae), Labcorp
Classification: Uncertain significance. Last evaluated: 2025-09-02. Review status: criteria provided, single submitter. Criteria: Invitae Variant Classification Sherloc (09022015). Collection method: clinical testing. Allele origin: germline.
Comment: This sequence change replaces valine, which is neutral and non-polar, with leucine, which is neutral and non-polar, at codon 1282 of the PTPN23 protein (p.Val1282Leu). This variant is present in population databases (rs746216873, gnomAD 0.003%). This variant has not been reported in the literature in individuals affected with PTPN23-related conditions. ClinVar contains an entry for this variant (Variation ID: 1915168). An algorithm developed to predict the effect of missense changes on protein structure and function (PolyPhen-2) suggests that this variant is likely to be disruptive. In summary, the available evidence is currently insufficient to determine the role of this variant in disease. Therefore, it has been classified as a Variant of Uncertain Significance.